The following is an entry in ClinVar:

ClinVar aggregate classification (germline): Uncertain significance. Review status: criteria provided, multiple submitters, no conflicts (2 of 4 stars). 2 submissions from 2 submitters: Uncertain significance (2). Last evaluated 2024-12-04.

Conditions:
D-2-hydroxyglutaric aciduria 1 (D2HGA1). Identifiers: Orphanet 79315, MedGen C3152055, MONDO:0024554, OMIM 600721.
Inborn genetic diseases. Identifiers: MedGen C0950123, MeSH D030342.

Allele frequency attached by ClinVar (database versions not stated): gnomAD exomes below 0.00001; TOPMed below 0.00001.
gnomAD v4.1: 2 of 1,606,758 alleles (0.00012%); highest among the groups gnomAD compares: Non-Finnish European, 0.00017%; no homozygotes.

Submissions (2):

Ambry Genetics
Classification: Uncertain significance for Inborn genetic diseases. Last evaluated: 2024-12-04. Review status: criteria provided, single submitter. Criteria: Ambry Variant Classification Scheme 2023. Collection method: clinical testing. Allele origin: germline.

Labcorp Genetics (formerly Invitae), Labcorp
Classification: Uncertain significance for D-2-hydroxyglutaric aciduria 1. Last evaluated: 2023-03-31. Review status: criteria provided, single submitter. Criteria: Invitae Variant Classification Sherloc (09022015). Collection method: clinical testing. Allele origin: germline.
Comment: In summary, the available evidence is currently insufficient to determine the role of this variant in disease. Therefore, it has been classified as a Variant of Uncertain Significance. Advanced modeling of protein sequence and biophysical properties (such as structural, functional, and spatial information, amino acid conservation, physicochemical variation, residue mobility, and thermodynamic stability) performed at Invitae indicates that this missense variant is not expected to disrupt D2HGDH protein function. This missense change has been observed in individual(s) with clinical features of D-2-hydroxyglutaric aciduria (Invitae). This variant is not present in population databases (gnomAD no frequency). This sequence change replaces histidine, which is basic and polar, with tyrosine, which is neutral and polar, at codon 220 of the D2HGDH protein (p.His220Tyr).

NM_152783.5(D2HGDH):c.658C>T (p.His220Tyr)

Gene: D2HGDH (D-2-hydroxyglutarate dehydrogenase; plus strand). Cytogenetic location: 2q37.3.
Variant type: single nucleotide variant.
Coding change: c.658C>T on transcript NM_152783.5 (MANE Select); coding-DNA position 658, C replaced by T.
Protein change: p.His220Tyr; replaces histidine 220 with tyrosine.
Molecular consequence: missense variant. On other transcripts: non-coding transcript variant (1).
Genome position (GRCh38, 1-based): chr2:241,743,789, C>T. VCF-style: chr2-241743789-C-T. GRCh37 (hg19) VCF-style: chr2-242683204-C-T.
Other names: c.256C>T, p.His86Tyr (NM_001287249.2); c.97C>T, p.His33Tyr (NM_001352824.2); c.658C>T (NM_152783.3); short protein forms H86Y, H33Y, H220Y.
Identifiers: ClinVar variation 2874433 (VCV002874433.3), dbSNP rs944349545, ClinGen allele CA68589995.